The following is an entry in ClinVar:

NM_001358921.2(COQ2):c.692C>G (p.Ser231Cys)

Gene: COQ2 (coenzyme Q2, polyprenyltransferase; minus strand). Cytogenetic location: 4q21.23.
Variant type: single nucleotide variant.
Coding change: c.692C>G on transcript NM_001358921.2 (MANE Select); coding-DNA position 692, C replaced by G.
Protein change: p.Ser231Cys; replaces serine 231 with cysteine.
Molecular consequence: missense variant.
Genome position (GRCh38, 1-based): chr4:83,269,930, G>C on the plus strand (C>G on the coding strand, the complement: COQ2 is on the minus strand). VCF-style: chr4-83269930-G-C. GRCh37 (hg19) VCF-style: chr4-84191083-G-C.
Other names: c.842C>G, p.Ser281Cys (NM_015697.9); short protein forms S281C, S231C.
Identifiers: ClinVar variation 1925523 (VCV001925523.3), dbSNP rs2529756040, ClinGen allele CA357229713.
Genomic context (GRCh38, chr4:83,269,930, plus strand): 5'-TAAATAGTATCATATATTAGTGTCCACATAACTCCAGAAAAATAAAGAGGCAGGCAAACA[G>C]ATGGATCACAGGAACCCTTGATAGCAGACCATCCAAGTAACGCTCCCCAATTAAATGTCA-3'
Protein context (NP_001345850.1, residues 221-241): WSAIKGSCDP[Ser231Cys]VCLPLYFSGV

ClinVar aggregate classification (germline): Uncertain significance (1 of 4 stars; one submission).

Submission:

Labcorp Genetics (formerly Invitae), Labcorp
Classification: Uncertain significance. Last evaluated: 2022-05-04. Review status: criteria provided, single submitter. Criteria: Invitae Variant Classification Sherloc (09022015). Collection method: clinical testing. Allele origin: germline.
Comment: This sequence change replaces serine, which is neutral and polar, with cysteine, which is neutral and slightly polar, at codon 281 of the COQ2 protein (p.Ser281Cys). This variant is not present in population databases (gnomAD no frequency). This variant has not been reported in the literature in individuals affected with COQ2-related conditions. Algorithms developed to predict the effect of missense changes on protein structure and function are either unavailable or do not agree on the potential impact of this missense change (SIFT: "Deleterious"; PolyPhen-2: "Benign"; Align-GVGD: "Class C15"). In summary, the available evidence is currently insufficient to determine the role of this variant in disease. Therefore, it has been classified as a Variant of Uncertain Significance.